The following is an entry in ClinVar:

ClinVar aggregate classification (germline): Uncertain significance. Review status: criteria provided, multiple submitters, no conflicts (2 of 4 stars). 2 submissions from 2 submitters: Uncertain significance (2). Last evaluated 2025-06-18.

Conditions:
Familial hemophagocytic lymphohistiocytosis 3 (FHL3). Also called: UNC13D-Related Familial Hemophagocytic Lymphohistiocytosis (UNC13D-fHLH). Identifiers: Orphanet 540, MedGen C1837174, MONDO:0012146, OMIM 608898.
Inborn genetic diseases. Identifiers: MedGen C0950123, MeSH D030342.

Allele frequency attached by ClinVar (database versions not stated): ExAC 0.00001; TOPMed 0.00001; gnomAD 0.00002; gnomAD exomes 0.00002 and 0.00003.
gnomAD v4.1: 40 of 1,613,758 alleles (0.0025%); highest among the groups gnomAD compares: South Asian, 0.0055%; no homozygotes.

Submissions (2):

Ambry Genetics
Classification: Uncertain significance for Inborn genetic diseases. Last evaluated: 2025-06-18. Review status: criteria provided, single submitter. Criteria: Ambry Variant Classification Scheme 2023. Collection method: clinical testing. Allele origin: germline.

Labcorp Genetics (formerly Invitae), Labcorp
Classification: Uncertain significance for Familial hemophagocytic lymphohistiocytosis 3. Last evaluated: 2022-10-24. Review status: criteria provided, single submitter. Criteria: Invitae Variant Classification Sherloc (09022015). Collection method: clinical testing. Allele origin: germline.
Comment: This sequence change replaces threonine, which is neutral and polar, with methionine, which is neutral and non-polar, at codon 542 of the UNC13D protein (p.Thr542Met). This variant is present in population databases (rs766409638, gnomAD 0.004%). This variant has not been reported in the literature in individuals affected with UNC13D-related conditions. ClinVar contains an entry for this variant (Variation ID: 845654). Advanced modeling of protein sequence and biophysical properties (such as structural, functional, and spatial information, amino acid conservation, physicochemical variation, residue mobility, and thermodynamic stability) performed at Invitae indicates that this missense variant is not expected to disrupt UNC13D protein function. In summary, the available evidence is currently insufficient to determine the role of this variant in disease. Therefore, it has been classified as a Variant of Uncertain Significance.

NM_199242.3(UNC13D):c.1625C>T (p.Thr542Met)

Gene: UNC13D (unc-13 homolog D; minus strand). Cytogenetic location: 17q25.1.
Variant type: single nucleotide variant.
Coding change: c.1625C>T on transcript NM_199242.3 (MANE Select); coding-DNA position 1625, C replaced by T.
Protein change: p.Thr542Met; replaces threonine 542 with methionine.
Molecular consequence: missense variant.
Genome position (GRCh38, 1-based): chr17:75,835,749, G>A on the plus strand (C>T on the coding strand, the complement: UNC13D is on the minus strand). VCF-style: chr17-75835749-G-A. GRCh37 (hg19) VCF-style: chr17-73831830-G-A.
Other names: short protein forms T542M.
Identifiers: ClinVar variation 845654 (VCV000845654.6), dbSNP rs766409638, ClinGen allele CA8772865.